The following is an entry in ClinVar:

NM_032581.4(HYCC1):c.1217C>T (p.Ala406Val)

Gene: HYCC1 (hyccin PI4KA lipid kinase complex subunit 1; minus strand). Cytogenetic location: 7p15.3.
Variant type: single nucleotide variant.
Coding change: c.1217C>T on transcript NM_032581.4 (MANE Select); coding-DNA position 1217, C replaced by T.
Protein change: p.Ala406Val; replaces alanine 406 with valine.
Molecular consequence: missense variant. On other transcripts: 3 prime UTR variant (2).
Genome position (GRCh38, 1-based): chr7:22,945,938, G>A on the plus strand (C>T on the coding strand, the complement: HYCC1 is on the minus strand). VCF-style: chr7-22945938-G-A. GRCh37 (hg19) VCF-style: chr7-22985557-G-A.
Other names: c.*253C>T (NM_001363466.2); c.*211C>T (NM_001363467.2); c.1217C>T (NM_032581.3); short protein forms A406V.
Identifiers: ClinVar variation 1711653 (VCV001711653.30), dbSNP rs758834002, ClinGen allele CA4185761.

ClinVar aggregate classification (germline): Uncertain significance. Review status: criteria provided, multiple submitters, no conflicts (2 of 4 stars). 2 submissions from 2 submitters: Uncertain significance (2). Last evaluated 2025-04-02.

Conditions:
Inborn genetic diseases. Identifiers: MedGen C0950123, MeSH D030342.

Allele frequency attached by ClinVar (database versions not stated): gnomAD exomes 0.00001; ExAC 0.00002; TOPMed 0.00002.
gnomAD v4.1: 8 of 1,613,780 alleles (0.0005%); highest among the groups gnomAD compares: East Asian, 0.0089%; no homozygotes.

Submissions (2):

Ambry Genetics
Classification: Uncertain significance for Inborn genetic diseases. Last evaluated: 2025-04-02. Review status: criteria provided, single submitter. Criteria: Ambry Variant Classification Scheme 2023. Collection method: clinical testing. Allele origin: germline.

CeGaT Center for Human Genetics Tuebingen
Classification: Uncertain significance. Last evaluated: 2022-07-01. Review status: criteria provided, single submitter. Criteria: CeGaT Center For Human Genetics Tuebingen Variant Classification Criteria Version 2. Collection method: clinical testing. Allele origin: germline. Affected: yes. Observed: 1 variant allele.
Comment: HYCC1: PM2, BP4